The following is an entry in ClinVar:

NM_015443.4(KANSL1):c.919G>A (p.Val307Ile)

Gene: KANSL1 (KAT8 regulatory NSL complex subunit 1). Cytogenetic location: 17q21.31.
Variant type: single nucleotide variant.
Coding change: c.919G>A on transcript NM_015443.4 (MANE Select); coding-DNA position 919, G replaced by A.
Protein change: p.Val307Ile; replaces valine 307 with isoleucine.
Molecular consequence: missense variant. On other transcripts: intron variant (4).
Genome position (GRCh38, 1-based): chr17:46,171,225, C>T on the plus strand (G>A on the coding strand, the complement: KANSL1 is on the minus strand). VCF-style: chr17-46171225-C-T. GRCh37 (hg19) VCF-style: chr17-44248591-C-T.
Other names: c.919G>A, p.Val307Ile (NM_001193465.2, NM_001193466.2, NM_001379198.1 and 18 more transcripts); c.23+52446G>A (NM_001405885.1, NM_001405884.1, NM_001405883.1 and 1 more transcripts); short protein forms V307I.
Identifiers: ClinVar variation 2647860 (VCV002647860.24), dbSNP rs1201773079, ClinGen allele CA399980186.

ClinVar aggregate classification (germline): Uncertain significance (1 of 4 stars; one submission).

Allele frequency attached by ClinVar (database versions not stated): gnomAD exomes below 0.00001.
gnomAD v4.1: 3 of 1,614,122 alleles (0.00019%); highest among the groups gnomAD compares: South Asian, 0.0033%; no homozygotes.

Submission:

CeGaT Center for Human Genetics Tuebingen
Classification: Uncertain significance. Last evaluated: 2023-10-01. Review status: criteria provided, single submitter. Criteria: CeGaT Center For Human Genetics Tuebingen Variant Classification Criteria Version 2. Collection method: clinical testing. Allele origin: germline. Affected: yes. Observed: 1 variant allele.
Comment: KANSL1: PM2